The following is an entry in ClinVar:

ClinVar aggregate classification (germline): Uncertain significance (1 of 4 stars; one submission).

Submission:

GeneDx
Classification: Uncertain significance. Last evaluated: 2025-03-06. Review status: criteria provided, single submitter. Criteria: GeneDx Variant Classification Process June 2021. Collection method: clinical testing. Allele origin: germline. Affected: yes.
Comment: Not observed at significant frequency in large population cohorts (gnomAD); In silico analysis supports that this missense variant has a deleterious effect on protein structure/function; Has not been previously published as pathogenic or benign to our knowledge

NM_138927.4(SON):c.479C>T (p.Ser160Phe)

Gene: SON (SON DNA and RNA binding protein; plus strand). Cytogenetic location: 21q22.11.
Variant type: single nucleotide variant.
Coding change: c.479C>T on transcript NM_138927.4 (MANE Select); coding-DNA position 479, C replaced by T.
Protein change: p.Ser160Phe; replaces serine 160 with phenylalanine.
Molecular consequence: missense variant. On other transcripts: non-coding transcript variant (1), intron variant (1).
Genome position (GRCh38, 1-based): chr21:33,549,710, C>T. VCF-style: chr21-33549710-C-T. GRCh37 (hg19) VCF-style: chr21-34922016-C-T.
Other names: c.479C>T, p.Ser160Phe (NM_001291411.2, NM_032195.3); c.244+3331C>T (NM_001291412.3); short protein forms S160F.
Identifiers: ClinVar variation 4082624 (VCV004082624.1).